The following is an entry in ClinVar:

ClinVar aggregate classification (germline): Uncertain significance (1 of 4 stars; one submission).

Allele frequency attached by ClinVar (database versions not stated): gnomAD exomes below 0.00001; gnomAD 0.00001; TOPMed 0.00001.

Submission:

Labcorp Genetics (formerly Invitae), Labcorp
Classification: Uncertain significance. Last evaluated: 2024-01-17. Review status: criteria provided, single submitter. Criteria: Invitae Variant Classification Sherloc (09022015). Collection method: clinical testing. Allele origin: germline.
Comment: This sequence change creates a premature translational stop signal (p.Lys1053Asnfs*2) in the BUB1 gene. While this is not anticipated to result in nonsense mediated decay, it is expected to disrupt the last 33 amino acid(s) of the BUB1 protein. This variant is present in population databases (no rsID available, gnomAD 0.01%). This variant has not been reported in the literature in individuals affected with BUB1-related conditions. Experimental studies and prediction algorithms are not available or were not evaluated, and the functional significance of this variant is currently unknown. In summary, the available evidence is currently insufficient to determine the role of this variant in disease. Therefore, it has been classified as a Variant of Uncertain Significance.

NM_004336.5(BUB1):c.3159del (p.Lys1053fs)

Gene: BUB1 (BUB1 mitotic checkpoint serine/threonine kinase; minus strand). Cytogenetic location: 2q13.
Variant type: Deletion.
Coding change: c.3159del on transcript NM_004336.5 (MANE Select); coding-DNA position 3159, one base deleted (G; older notation c.3159delG).
Protein change: p.Lys1053fs; shifts the reading frame from lysine 1053.
Molecular consequence: frameshift variant.
Genome position (GRCh38, 1-based): chr2:110,638,063, C deleted on the plus strand (G on the coding strand, the reverse complement: BUB1 is on the minus strand). VCF-style (leftmost placement, unchanged base first): chr2-110638062-GC-G. GRCh37 (hg19) VCF-style: chr2-111395639-GC-G.
Other names: c.3099del, p.Lys1033fs (NM_001278616.2); c.2988del, p.Lys996fs (NM_001278617.2); short protein forms K1053fs, K1033fs, K996fs.
Identifiers: ClinVar variation 2700746 (VCV002700746.3), dbSNP rs1418103126, ClinGen allele CA535594144.